The following is an entry in ClinVar:

NM_001379500.1(COL18A1):c.2164G>A (p.Val722Ile)

Gene: COL18A1 (collagen type XVIII alpha 1 chain; plus strand). Cytogenetic location: 21q22.3.
Variant type: single nucleotide variant.
Coding change: c.2164G>A on transcript NM_001379500.1 (MANE Select); coding-DNA position 2164, G replaced by A.
Protein change: p.Val722Ile; replaces valine 722 with isoleucine.
Molecular consequence: missense variant.
Genome position (GRCh38, 1-based): chr21:45,492,541, G>A. VCF-style: chr21-45492541-G-A. GRCh37 (hg19) VCF-style: chr21-46912455-G-A.
Other names: NM_130445.2:c.2164G>A; c.2704G>A, p.Val902Ile (NM_030582.4); c.3409G>A, p.Val1137Ile (NM_130444.3); short protein forms V722I, V1137I, V902I.
Identifiers: ClinVar variation 1435768 (VCV001435768.5), dbSNP rs750722061, ClinGen allele CA10066868.
Genomic context (GRCh38, chr21:45,492,541, plus strand): 5'-TTGAATTTTAAACGCGGCTCTTTGTTTCCGATTTTTCCTTTTGCTCGTGGACAGGGATCC[G>A]TCCTGAGCGTGCCGGGACCTGAGGTATGTGCCTGCCCAGCTTCTAAGAGACGGGCCTGCG-3'
Protein context (NP_001366429.1, residues 712-732): VVYVSEQDGS[Val722Ile]LSVPGPEGRP

ClinVar aggregate classification (germline): Uncertain significance. Review status: criteria provided, multiple submitters, no conflicts (2 of 4 stars). 3 submissions from 3 submitters: Uncertain significance (3). Last evaluated 2025-01-10.

Allele frequency attached by ClinVar (database versions not stated): gnomAD 0.00001; TOPMed 0.00001; ExAC 0.00003; gnomAD exomes 0.00003 and 0.00004.
gnomAD v4.1: 42 of 1,613,184 alleles (0.0026%); highest among the groups gnomAD compares: South Asian, 0.022%; 1 homozygote.

Submissions (3):

GeneDx
Classification: Uncertain significance. Last evaluated: 2025-01-10. Review status: criteria provided, single submitter. Criteria: GeneDx Variant Classification Process June 2021. Collection method: clinical testing. Allele origin: germline. Affected: yes.
Comment: In silico analysis indicates that this missense variant does not alter protein structure/function; Has not been previously published as pathogenic or benign to our knowledge

Blueprint Genetics
Classification: Uncertain significance. Last evaluated: 2023-07-06. Review status: criteria provided, single submitter. Criteria: ACMG Guidelines, 2015. Collection method: clinical testing. Allele origin: germline.

Labcorp Genetics (formerly Invitae), Labcorp
Classification: Uncertain significance. Last evaluated: 2022-07-21. Review status: criteria provided, single submitter. Criteria: Invitae Variant Classification Sherloc (09022015). Collection method: clinical testing. Allele origin: germline.
Comment: This sequence change replaces valine, which is neutral and non-polar, with isoleucine, which is neutral and non-polar, at codon 722 of the COL18A1 protein (p.Val722Ile). This variant is present in population databases (rs750722061, gnomAD 0.01%). This variant has not been reported in the literature in individuals affected with COL18A1-related conditions. ClinVar contains an entry for this variant (Variation ID: 1435768). Experimental studies and prediction algorithms are not available or were not evaluated, and the functional significance of this variant is currently unknown. In summary, the available evidence is currently insufficient to determine the role of this variant in disease. Therefore, it has been classified as a Variant of Uncertain Significance.